The following is an entry in ClinVar:

ClinVar aggregate classification (germline): Pathogenic (1 of 4 stars; one submission).

Conditions:
Desmin-related myofibrillar myopathy (MFM1). Also called: Desmin related myopathy (former name); Desmin storage myopathy (former name); Myofibrillar myopathy 1; MYOFIBRILLAR MYOPATHY WITH ARRHYTHMOGENIC RIGHT VENTRICULAR CARDIOMYOPATHY; DESMIN-RELATED MYOPATHY WITH ARRHYTHMOGENIC RIGHT VENTRICULAR CARDIOMYOPATHY; Desminopathy. Identifiers: Orphanet 363543, Orphanet 98909, MedGen C1832370, MONDO:0011076, OMIM 601419.

Submission:

Labcorp Genetics (formerly Invitae), Labcorp
Classification: Pathogenic for Desmin-related myofibrillar myopathy. Last evaluated: 2018-06-11. Review status: criteria provided, single submitter. Criteria: Invitae Variant Classification Sherloc (09022015). Collection method: clinical testing. Allele origin: germline.
Comment: For these reasons, this variant has been classified as Pathogenic. Loss-of-function variants in DES are known to be pathogenic (PMID: 23575897). This variant has not been reported in the literature in individuals with DES-related disease. The frequency data for this variant in the population databases is considered unreliable, as metrics indicate poor data quality at this position in the ExAC database. This sequence change creates a premature translational stop signal (p.Val176Argfs*48) in the DES gene. It is expected to result in an absent or disrupted protein product.

Literature cited by the submitters: PubMed 23575897.

NM_001927.4(DES):c.525_526del (p.Val176fs)

Gene: DES (desmin; plus strand). Cytogenetic location: 2q35.
Variant type: Microsatellite.
Coding change: c.525_526del on transcript NM_001927.4 (MANE Select); coding-DNA positions 525 to 526, 2 bases deleted (CG; older notation c.525_526delCG).
Protein change: p.Val176fs; shifts the reading frame from valine 176.
Molecular consequence: frameshift variant. On other transcripts: intron variant (1).
Genome position (GRCh38, 1-based): chr2:219,418,987-219,418,988, CG deleted; deleting any 2 consecutive bases within chr2:219,418,978-219,418,988 gives the same sequence; the c. name uses the placement nearest the transcript's 3' end. VCF-style (leftmost placement, unchanged base first): chr2-219418977-AGC-A. GRCh37 (hg19) VCF-style: chr2-220283699-AGC-A.
Other names: c.525_526del, p.Val176fs (NM_001382708.1, NM_001382709.1, NM_001382710.1 and 2 more transcripts); c.495+21GC[4] (NM_001382713.1); short protein forms V176fs.
Identifiers: ClinVar variation 1069497 (VCV001069497.7), dbSNP rs769096434, ClinGen allele CA2125073.